The following is an entry in ClinVar:

ClinVar aggregate classification (germline): Uncertain significance (1 of 4 stars; one submission).

Conditions:
Cardiovascular phenotype. Identifiers: MedGen CN230736.

Allele frequency attached by ClinVar (database versions not stated): gnomAD exomes below 0.00001.
gnomAD v4.1: 4 of 1,614,196 alleles (0.00025%); highest among the groups gnomAD compares: African/African-American, 0.0013%; no homozygotes.

Submission:

Ambry Genetics
Classification: Uncertain significance for Cardiovascular phenotype. Last evaluated: 2021-07-07. Review status: criteria provided, single submitter. Criteria: Ambry Variant Classification Scheme 2023. Collection method: clinical testing. Allele origin: germline.
Comment: The p.P62L variant (also known as c.185C>T), located in coding exon 3 of the EFEMP2 gene, results from a C to T substitution at nucleotide position 185. The proline at codon 62 is replaced by leucine, an amino acid with similar properties. This amino acid position is conserved. In addition, this alteration is predicted to be deleterious by in silico analysis. Since supporting evidence is limited at this time, the clinical significance of this alteration remains unclear.

NM_016938.5(EFEMP2):c.185C>T (p.Pro62Leu)

Gene: EFEMP2 (EGF containing fibulin extracellular matrix protein 2; minus strand). Cytogenetic location: 11q13.1.
Variant type: single nucleotide variant.
Coding change: c.185C>T on transcript NM_016938.5 (MANE Select); coding-DNA position 185, C replaced by T.
Protein change: p.Pro62Leu; replaces proline 62 with leucine.
Molecular consequence: missense variant. On other transcripts: non-coding transcript variant (1).
Genome position (GRCh38, 1-based): chr11:65,871,339, G>A on the plus strand (C>T on the coding strand, the complement: EFEMP2 is on the minus strand). VCF-style: chr11-65871339-G-A. GRCh37 (hg19) VCF-style: chr11-65638810-G-A.
Other names: short protein forms P62L.
Identifiers: ClinVar variation 1781476 (VCV001781476.2), dbSNP rs2495581008, ClinGen allele CA381310533.